The following is an entry in ClinVar:

ClinVar aggregate classification (germline): Uncertain significance. Review status: criteria provided, multiple submitters, no conflicts (2 of 4 stars). 2 submissions from 2 submitters: Uncertain significance (2). Last evaluated 2026-01-14.

Conditions:
Hepatic methionine adenosyltransferase deficiency. Also called: Isolated Persistent Hypermethioninemia; Methionine adenosyltransferase deficiency; MAT I/III DEFICIENCY; Deficiency of methionine adenosyltransferase. Identifiers: Orphanet 168598, MedGen C0268621, MeSH C564683, MONDO:0009607, OMIM 250850.
Inborn genetic diseases. Identifiers: MedGen C0950123, MeSH D030342.

Allele frequency attached by ClinVar (database versions not stated): gnomAD exomes below 0.00001.
gnomAD v4.1: 1 of 1,613,868 alleles (0.000062%); highest among the groups gnomAD compares: African/African-American, 0.0013%; no homozygotes.

Submissions (2):

Ambry Genetics
Classification: Uncertain significance for Inborn genetic diseases. Last evaluated: 2026-01-14. Review status: criteria provided, single submitter. Criteria: Ambry Variant Classification Scheme 2023. Collection method: clinical testing. Allele origin: germline.

Labcorp Genetics (formerly Invitae), Labcorp
Classification: Uncertain significance for Hepatic methionine adenosyltransferase deficiency. Last evaluated: 2021-05-03. Review status: criteria provided, single submitter. Criteria: Invitae Variant Classification Sherloc (09022015). Collection method: clinical testing. Allele origin: germline.
Comment: In summary, the available evidence is currently insufficient to determine the role of this variant in disease. Therefore, it has been classified as a Variant of Uncertain Significance. Algorithms developed to predict the effect of missense changes on protein structure and function (SIFT, PolyPhen-2, Align-GVGD) all suggest that this variant is likely to be disruptive, but these predictions have not been confirmed by published functional studies and their clinical significance is uncertain. This variant has not been reported in the literature in individuals with MAT1A-related conditions. This variant is not present in population databases (ExAC no frequency). This sequence change replaces aspartic acid with glutamic acid at codon 100 of the MAT1A protein (p.Asp100Glu). The aspartic acid residue is highly conserved and there is a small physicochemical difference between aspartic acid and glutamic acid.

NM_000429.3(MAT1A):c.300C>G (p.Asp100Glu)

Gene: MAT1A (methionine adenosyltransferase 1A; minus strand). Cytogenetic location: 10q22.3.
Variant type: single nucleotide variant.
Coding change: c.300C>G on transcript NM_000429.3 (MANE Select); coding-DNA position 300, C replaced by G.
Protein change: p.Asp100Glu; replaces aspartic acid 100 with glutamic acid.
Molecular consequence: missense variant.
Genome position (GRCh38, 1-based): chr10:80,280,785, G>C on the plus strand (C>G on the coding strand, the complement: MAT1A is on the minus strand). VCF-style: chr10-80280785-G-C. GRCh37 (hg19) VCF-style: chr10-82040541-G-C.
Other names: c.300C>G (NM_000429.2); short protein forms D100E.
Identifiers: ClinVar variation 1471081 (VCV001471081.9), dbSNP rs1841556570, ClinGen allele CA377363169.
Genomic context (GRCh38, chr10:80,280,785, plus strand): 5'-GCACTGGGCAATATCTGGGGATTGCTGCTCCAAAGCCACCAGCACGTTGCAAGTCTTGAA[G>C]TCAAAGCCTAGGCGGAAGCAAAGTGAGCCTAAGTGGGGAACAGGTCAGAAGGAGGGGGCC-3'
Protein context (NP_000420.1, residues 90-110): IGYDDSAKGF[Asp100Glu]FKTCNVLVAL